The following is an entry in ClinVar:

NM_014000.3(VCL):c.3038G>A (p.Arg1013Gln)

Gene: VCL (vinculin; plus strand). Cytogenetic location: 10q22.2.
Variant type: single nucleotide variant.
Coding change: c.3038G>A on transcript NM_014000.3 (MANE Select); coding-DNA position 3038, G replaced by A.
Protein change: p.Arg1013Gln; replaces arginine 1013 with glutamine.
Molecular consequence: missense variant.
Genome position (GRCh38, 1-based): chr10:74,114,272, G>A. VCF-style: chr10-74114272-G-A. GRCh37 (hg19) VCF-style: chr10-75874030-G-A.
Other names: c.2834G>A, p.Arg945Gln (NM_003373.4); short protein forms R1013Q, R945Q.
Identifiers: ClinVar variation 4763456 (VCV004763456.2).

ClinVar aggregate classification (germline): Uncertain significance. Review status: criteria provided, multiple submitters, no conflicts (2 of 4 stars). 2 submissions from 2 submitters: Uncertain significance (2). Last evaluated 2026-05-19.

Conditions:
Dilated cardiomyopathy 1W (CMD1W). Identifiers: Orphanet 154, MedGen C1969639, MONDO:0012667, OMIM 611407.
Cardiovascular phenotype. Identifiers: MedGen CN230736.

Submissions (2):

Ambry Genetics
Classification: Uncertain significance for Cardiovascular phenotype. Last evaluated: 2026-05-19. Review status: criteria provided, single submitter. Criteria: Ambry Variant Classification Scheme 2023. Collection method: clinical testing. Allele origin: germline.

Labcorp Genetics (formerly Invitae), Labcorp
Classification: Uncertain significance for Dilated cardiomyopathy 1W. Last evaluated: 2025-09-03. Review status: criteria provided, single submitter. Criteria: Invitae Variant Classification Sherloc (09022015). Collection method: clinical testing. Allele origin: germline.
Comment: This sequence change replaces arginine, which is basic and polar, with glutamine, which is neutral and polar, at codon 1013 of the VCL protein (p.Arg1013Gln). This variant is not present in population databases (gnomAD no frequency). This variant has not been reported in the literature in individuals affected with VCL-related conditions. An algorithm developed to predict the effect of missense changes on protein structure and function (PolyPhen-2) suggests that this variant is likely to be disruptive. In summary, the available evidence is currently insufficient to determine the role of this variant in disease. Therefore, it has been classified as a Variant of Uncertain Significance.